The following is an entry in ClinVar:

ClinVar aggregate classification (germline): Uncertain significance. Review status: criteria provided, multiple submitters, no conflicts (2 of 4 stars). 2 submissions from 2 submitters: Uncertain significance (2). Last evaluated 2022-07-19.

Conditions:
Inborn genetic diseases. Identifiers: MedGen C0950123, MeSH D030342.

Allele frequency attached by ClinVar (database versions not stated): gnomAD 0.00001; TOPMed 0.00003.

Submissions (2):

Labcorp Genetics (formerly Invitae), Labcorp
Classification: Uncertain significance. Last evaluated: 2022-07-19. Review status: criteria provided, single submitter. Criteria: Invitae Variant Classification Sherloc (09022015). Collection method: clinical testing. Allele origin: germline.
Comment: This sequence change replaces methionine, which is neutral and non-polar, with valine, which is neutral and non-polar, at codon 1055 of the SLC12A6 protein (p.Met1055Val). This variant is present in population databases (rs749430190, gnomAD 0.02%). This variant has not been reported in the literature in individuals affected with SLC12A6-related conditions. Advanced modeling of protein sequence and biophysical properties (such as structural, functional, and spatial information, amino acid conservation, physicochemical variation, residue mobility, and thermodynamic stability) performed at Invitae indicates that this missense variant is not expected to disrupt SLC12A6 protein function. Algorithms developed to predict the effect of sequence changes on RNA splicing suggest that this variant may create or strengthen a splice site. In summary, the available evidence is currently insufficient to determine the role of this variant in disease. Therefore, it has been classified as a Variant of Uncertain Significance.

Ambry Genetics
Classification: Uncertain significance for Inborn genetic diseases. Last evaluated: 2021-09-16. Review status: criteria provided, single submitter. Criteria: Ambry Variant Classification Scheme 2023. Collection method: clinical testing. Allele origin: germline.

NM_001365088.1(SLC12A6):c.3163A>G (p.Met1055Val)

Gene: SLC12A6 (solute carrier family 12 member 6; minus strand). Cytogenetic location: 15q14.
Variant type: single nucleotide variant.
Coding change: c.3163A>G on transcript NM_001365088.1 (MANE Select); coding-DNA position 3163, A replaced by G.
Protein change: p.Met1055Val; replaces methionine 1055 with valine.
Molecular consequence: missense variant.
Genome position (GRCh38, 1-based): chr15:34,236,079, T>C on the plus strand (A>G on the coding strand, the complement: SLC12A6 is on the minus strand). VCF-style: chr15-34236079-T-C. GRCh37 (hg19) VCF-style: chr15-34528280-T-C.
Other names: c.2986A>G, p.Met996Val (NM_001042494.2, NM_001042495.2); c.3136A>G, p.Met1046Val (NM_001042496.2); c.3118A>G, p.Met1040Val (NM_001042497.2); c.3010A>G, p.Met1004Val (NM_005135.2); c.3163A>G, p.Met1055Val (NM_133647.2); short protein forms M1055V, M1040V, M1046V, M1004V, M996V.
Identifiers: ClinVar variation 2069335 (VCV002069335.2), dbSNP rs749430190, ClinGen allele CA7463916.